The following is an entry in ClinVar:

ClinVar aggregate classification (germline): Uncertain significance (1 of 4 stars; one submission).

Submission:

GeneDx
Classification: Uncertain significance. Last evaluated: 2024-06-25. Review status: criteria provided, single submitter. Criteria: GeneDx Variant Classification Process June 2021. Collection method: clinical testing. Allele origin: germline. Affected: yes.
Comment: Not observed at significant frequency in large population cohorts (gnomAD); In silico analysis supports that this missense variant has a deleterious effect on protein structure/function; Has not been previously published as pathogenic or benign to our knowledge

NM_001393769.1(MED12L):c.4747C>T (p.Leu1583Phe)

Genes: MED12L (mediator complex subunit 12L; plus strand), P2RY12 (purinergic receptor P2Y12; minus strand). Cytogenetic location: 3q25.1.
Variant type: single nucleotide variant.
Coding change: c.4747C>T on transcript NM_001393769.1 (MANE Select); coding-DNA position 4747, C replaced by T.
Protein change: p.Leu1583Phe; replaces leucine 1583 with phenylalanine.
Molecular consequence: missense variant. On other transcripts: intron variant (1).
Genome position (GRCh38, 1-based): chr3:151,383,845, C>T. VCF-style: chr3-151383845-C-T. GRCh37 (hg19) VCF-style: chr3-151101633-C-T.
Other names: c.4642C>T, p.Leu1548Phe (NM_053002.6); c.-180+847G>A (NM_022788.5); short protein forms L1548F, L1583F.
Identifiers: ClinVar variation 3392848 (VCV003392848.1).